The following is an entry in ClinVar:

ClinVar aggregate classification (germline): Likely benign. Review status: criteria provided, multiple submitters, no conflicts (2 of 4 stars). 2 submissions from 2 submitters: Likely benign (2). Last evaluated 2026-08-25.

Conditions:
Left ventricular noncompaction 1 (LVNC1). Also called: LEFT VENTRICULAR NONCOMPACTION 1 WITH OR WITHOUT CONGENITAL HEART DEFECTS. Identifiers: Orphanet 54260, MedGen C1858725, MONDO:0011403, OMIM 604169.
DTNA-related disorder. Also called: DTNA-related condition.

gnomAD v4.1: 15 of 1,613,644 alleles (0.00093%); highest among the groups gnomAD compares: Middle Eastern, 0.016%; no homozygotes.

Submissions (2):

PreventionGenetics, part of Exact Sciences
Classification: Likely benign for DTNA-related condition. Last evaluated: 2026-08-25. Review status: criteria provided, single submitter. Criteria: ACMG Guidelines, 2015. Collection method: clinical testing. Allele origin: germline.
Comment: This variant is classified as likely benign based on ACMG/AMP sequence variant interpretation guidelines (Richards et al. 2015 PMID: 25741868, with internal and published modifications).

Labcorp Genetics (formerly Invitae), Labcorp
Classification: Likely benign for Left ventricular noncompaction 1. Last evaluated: 2026-01-17. Review status: criteria provided, single submitter. Criteria: Invitae Variant Classification Sherloc (09022015). Collection method: clinical testing. Allele origin: germline.

NM_001386795.1(DTNA):c.870G>A (p.Thr290=)

Gene: DTNA (dystrobrevin alpha; plus strand). Cytogenetic location: 18q12.1.
Variant type: single nucleotide variant.
Coding change: c.870G>A on transcript NM_001386795.1 (MANE Select); coding-DNA position 870, G replaced by A.
Protein change: p.Thr290=; no amino-acid change (threonine 290 retained).
Molecular consequence: synonymous variant. On other transcripts: 5 prime UTR variant (2), intron variant (1).
Genome position (GRCh38, 1-based): chr18:34,818,324, G>A. VCF-style: chr18-34818324-G-A. GRCh37 (hg19) VCF-style: chr18-32398288-G-A.
Other names: c.870G>A, p.Thr290= (NM_001128175.2, NM_001198938.2, NM_001198939.2 and 34 more transcripts); c.-402G>A (NM_001198942.1, NM_001198944.1); c.120G>A, p.Thr40= (NM_001198943.1); c.603+6211G>A (NM_001198945.2); c.870G>A (NM_001390.4).
Identifiers: ClinVar variation 3673169 (VCV003673169.3).
Genomic context (GRCh38, chr18:34,818,324, plus strand): 5'-CTTCTGGAGGGGACATGCCGGTGGTTCTCATAGCAACCAGCACCAAATGAAAGAGTACAC[G>A]TCATGGGTAAGGCAAGGTCCAGGCAATACTTGGAGTTGGATGTGTGAGTGTTGCCCAGAG-3'
Protein context (NP_001373724.1, residues 280-300): HSNQHQMKEY[Thr290=]SWKSPAKKLT